The following is an entry in ClinVar:

NM_000059.4(BRCA2):c.3928dup (p.Thr1310fs)

Gene: BRCA2 (BRCA2 DNA repair associated; plus strand). Cytogenetic location: 13q13.1.
Variant type: Duplication.
Coding change: c.3928dup on transcript NM_000059.4 (MANE Select); coding-DNA position 3928, one base duplicated (A; older notation c.3928dupA).
Protein change: p.Thr1310fs; shifts the reading frame from threonine 1310.
Molecular consequence: frameshift variant.
Genome position (GRCh38, 1-based): chr13:32,338,283, A duplicated. VCF-style (leftmost placement, unchanged base first): chr13-32338282-T-TA. GRCh37 (hg19) VCF-style: chr13-32912419-T-TA.
Other names: short protein forms T1310fs.
Identifiers: ClinVar variation 856136 (VCV000856136.10), dbSNP rs2072491928, ClinGen allele CA916080547.

ClinVar aggregate classification (germline): Pathogenic (1 of 4 stars; one submission).

Conditions:
Hereditary breast ovarian cancer syndrome. Also called: Breast and ovarian cancer; BRCA1- and BRCA2-Associated Hereditary Breast and Ovarian Cancer; Hereditary breast and ovarian cancer; Hereditary breast and ovarian cancer syndrome (HBOC); Hereditary breast and/or ovarian cancer syndrome; Hereditary breast and ovarian cancer syndrome. Identifiers: Orphanet 145, MedGen C0677776, MeSH D061325, MONDO:0003582. Disease mechanism: loss of function.

Submission:

Labcorp Genetics (formerly Invitae), Labcorp
Classification: Pathogenic for Hereditary breast ovarian cancer syndrome. Last evaluated: 2024-04-16. Review status: criteria provided, single submitter. Criteria: Invitae Variant Classification Sherloc (09022015). Collection method: clinical testing. Allele origin: germline.
Comment: This sequence change creates a premature translational stop signal (p.Thr1310Asnfs*2) in the BRCA2 gene. It is expected to result in an absent or disrupted protein product. Loss-of-function variants in BRCA2 are known to be pathogenic (PMID: 20104584). This variant is not present in population databases (gnomAD no frequency). This premature translational stop signal has been observed in individual(s) with ovarian cancer (PMID: 29020660). ClinVar contains an entry for this variant (Variation ID: 856136). For these reasons, this variant has been classified as Pathogenic.

Literature cited by the submitters: PubMed 20104584; PubMed 29020660.